The following is an entry in ClinVar:

ClinVar aggregate classification (germline): Likely benign. Review status: criteria provided, multiple submitters, no conflicts (2 of 4 stars). 3 submissions from 3 submitters: Likely benign (3). Last evaluated 2025-04-28.

Conditions:
Marfan syndrome (MFS). Also called: MARFAN SYNDROME, TYPE I; FBN1-Related Marfan Syndrome; Marfan syndrome type 1; Marfan's syndrome; Marfan syndrome, classic. Identifiers: Orphanet 284963, Orphanet 558, MedGen C0024796, MONDO:0007947, OMIM 154700.
Familial thoracic aortic aneurysm and aortic dissection (TAAD). Also called: Thoracic aortic aneurysms and dissections. Identifiers: Orphanet 91387, MedGen C4707243, MONDO:0019625.

Allele frequency attached by ClinVar (database versions not stated): gnomAD 0.00001; gnomAD exomes 0.00001; 1000 Genomes Project 30x 0.00031; ExAC 0.00002; TOPMed 0.00001; 1000 Genomes Project 0.00020.
gnomAD v4.1: 17 of 1,614,144 alleles (0.0011%); highest among the groups gnomAD compares: Admixed American, 0.0083%; no homozygotes.

Submissions (3):

Labcorp Genetics (formerly Invitae), Labcorp
Classification: Likely benign for Marfan syndrome; Familial thoracic aortic aneurysm and aortic dissection. Last evaluated: 2025-04-28. Review status: criteria provided, single submitter. Criteria: Invitae Variant Classification Sherloc (09022015). Collection method: clinical testing. Allele origin: germline.

Blueprint Genetics
Classification: Likely benign. Last evaluated: 2024-03-04. Review status: criteria provided, single submitter. Criteria: ACMG Guidelines, 2015. Collection method: clinical testing. Allele origin: germline.

GeneDx
Classification: Likely benign. Last evaluated: 2018-05-02. Review status: criteria provided, single submitter. Criteria: GeneDx Variant Classification (06012015). Collection method: clinical testing. Allele origin: germline. Affected: yes.
Comment: This variant is considered likely benign or benign based on one or more of the following criteria: it is a conservative change, it occurs at a poorly conserved position in the protein, it is predicted to be benign by multiple in silico algorithms, and/or has population frequency not consistent with disease.

NM_000138.5(FBN1):c.4211-18G>A

Genes: FBN1 (fibrillin 1; minus strand), LOC126862124 (CDK7 strongly-dependent group 2 enhancer GRCh37_chr15:48764566-48765765; plus strand). Cytogenetic location: 15q21.1.
Variant type: single nucleotide variant.
Coding change: c.4211-18G>A on transcript NM_000138.5 (MANE Select); 18 bases into the intron before coding-DNA position 4211, G replaced by A.
Molecular consequence: intron variant.
Genome position (GRCh38, 1-based): chr15:48,472,694, C>T on the plus strand (G>A on the coding strand, the complement: FBN1 is on the minus strand). VCF-style: chr15-48472694-C-T. GRCh37 (hg19) VCF-style: chr15-48764891-C-T.
Identifiers: ClinVar variation 668794 (VCV000668794.10), dbSNP rs532573637, ClinGen allele CA052242.